The following is an entry in ClinVar:

ClinVar aggregate classification (germline): Uncertain significance. Review status: criteria provided, multiple submitters, no conflicts (2 of 4 stars). 2 submissions from 2 submitters: Uncertain significance (2). Last evaluated 2023-12-19.

Conditions:
Inborn genetic diseases. Identifiers: MedGen C0950123, MeSH D030342.
Type A2 brachydactyly (BDA2). Also called: BRACHYMESOPHALANGY II; MOHR-WRIEDT TYPE BRACHYDACTYLY; Brachymesophalangy type 2. Identifiers: Orphanet 93396, MedGen C1832702, MONDO:0007216, OMIM 112600, HP:0009372.
Acromesomelic dysplasia 3 (AMD3). Also called: Acromesomelic dysplasia, Demirhan type; CHONDRODYSPLASIA, ACROMESOMELIC, WITH OR WITHOUT GENITAL ANOMALIES. Identifiers: MedGen C4225404, MONDO:0012274, OMIM 609441.

gnomAD v4.1: 1 of 1,611,442 alleles (0.000062%); highest among the groups gnomAD compares: Non-Finnish European, 0.000085%; no homozygotes.

Submissions (2):

Ambry Genetics
Classification: Uncertain significance for Inborn genetic diseases. Last evaluated: 2023-12-19. Review status: criteria provided, single submitter. Criteria: Ambry Variant Classification Scheme 2023. Collection method: clinical testing. Allele origin: germline.

Labcorp Genetics (formerly Invitae), Labcorp
Classification: Uncertain significance for Type A2 brachydactyly; Acromesomelic dysplasia 3. Last evaluated: 2023-06-21. Review status: criteria provided, single submitter. Criteria: Invitae Variant Classification Sherloc (09022015). Collection method: clinical testing. Allele origin: germline.
Comment: This sequence change replaces isoleucine, which is neutral and non-polar, with threonine, which is neutral and polar, at codon 142 of the BMPR1B protein (p.Ile142Thr). This variant is not present in population databases (gnomAD no frequency). This variant has not been reported in the literature in individuals affected with BMPR1B-related conditions. Advanced modeling of protein sequence and biophysical properties (such as structural, functional, and spatial information, amino acid conservation, physicochemical variation, residue mobility, and thermodynamic stability) performed at Invitae indicates that this missense variant is not expected to disrupt BMPR1B protein function. In summary, the available evidence is currently insufficient to determine the role of this variant in disease. Therefore, it has been classified as a Variant of Uncertain Significance.

NM_001203.3(BMPR1B):c.425T>C (p.Ile142Thr)

Gene: BMPR1B (bone morphogenetic protein receptor type 1B; plus strand). Cytogenetic location: 4q22.3.
Variant type: single nucleotide variant.
Coding change: c.425T>C on transcript NM_001203.3 (MANE Select); coding-DNA position 425, T replaced by C.
Protein change: p.Ile142Thr; replaces isoleucine 142 with threonine.
Molecular consequence: missense variant.
Genome position (GRCh38, 1-based): chr4:95,123,885, T>C. VCF-style: chr4-95123885-T-C. GRCh37 (hg19) VCF-style: chr4-96045036-T-C.
Other names: c.425T>C (NM_001203.2); c.425T>C, p.Ile142Thr (NM_001256792.2, NM_001256794.1); c.515T>C, p.Ile172Thr (NM_001256793.2); short protein forms I142T, I172T.
Identifiers: ClinVar variation 2938456 (VCV002938456.4), dbSNP rs2530207167, ClinGen allele CA357679874.